The following is an entry in ClinVar:

ClinVar aggregate classification (germline): Conflicting classifications of pathogenicity. Review status: criteria provided, conflicting classifications (1 of 4 stars). 6 submissions from 6 submitters: Uncertain significance (4); Likely benign (2). Last evaluated 2026-03-20.

Conditions:
Hereditary cancer-predisposing syndrome. Also called: Hereditary neoplastic syndrome; Hereditary Cancer Syndrome; Neoplastic Syndromes, Hereditary; Tumor predisposition. Identifiers: Orphanet 140162, MedGen C0027672, MeSH D009386, MONDO:0015356.
BRCA2-related disorder. Also called: BRCA2-related disorders; BRCA2-related condition. Identifiers: MedGen CN239275.

Allele frequency attached by ClinVar (database versions not stated): gnomAD exomes below 0.00001; ExAC 0.00001; gnomAD 0.00001.
gnomAD v4.1: 1 of 1,591,642 alleles (0.000063%); highest among the groups gnomAD compares: Non-Finnish European, 0.000085%; no homozygotes.

Submissions (6):

PreventionGenetics, part of Exact Sciences
Classification: Uncertain significance for BRCA2-related condition. Last evaluated: 2026-03-20. Review status: criteria provided, single submitter. Criteria: ACMG Guidelines, 2015. Collection method: clinical testing. Allele origin: germline.
Comment: The BRCA2 c.3259A>T variant is predicted to result in the amino acid substitution p.Thr1087Ser. To our knowledge, this variant has not been reported in the literature in BRCA2-related conditions. This variant occurs within a region of the BRCA2 gene that is predicted to be tolerant to missense variation (Table 2, Dines et al. 2020. PubMed ID: 31911673). This variant is reported in 0.00092% of alleles in individuals of European (Non-Finnish) descent in gnomAD and has conflicting classifications in ClinVar ranging from uncertain to likely benign (Variation ID: 1171260). At this time, the clinical significance of this variant is uncertain due to the absence of conclusive functional and genetic evidence.

Quest Diagnostics Nichols Institute San Juan Capistrano
Classification: Uncertain significance. Last evaluated: 2025-06-25. Review status: criteria provided, single submitter. Criteria: Quest Diagnostics criteria. Collection method: clinical testing. Allele origin: unknown.
Comment: The BRCA2 c.3259A>T (p.Thr1087Ser) variant has been reported in the published literature in a region of the BRCA2 gene that is tolerant to missense sequence changes (PMID: 31911673 (2020)). The frequency of this variant in the general population (Genome Aggregation Database) is uninformative in the assessment of its pathogenicity. Analysis of this variant using bioinformatics tools for the prediction of the effect of amino acid changes on protein structure and function yielded predictions that this variant is benign. Based on the available information, we are unable to determine the clinical significance of this variant.

University of Washington Department of Laboratory Medicine, University of Washington
Classification: Likely benign for Hereditary cancer-predisposing syndrome. Last evaluated: 2023-03-23. Review status: criteria provided, single submitter. Criteria: Dines et al. (Genet Med. 2020). Collection method: curation. Allele origin: germline.
Comment: Missense variant in a coldspot region where missense variants are very unlikely to be pathogenic (PMID:31911673).

BRCA2 exon 11 coldspot. Reclassification based on statistical prior probability.

CeGaT Center for Human Genetics Tuebingen
Classification: Likely benign. Last evaluated: 2023-02-01. Review status: criteria provided, single submitter. Criteria: CeGaT Center For Human Genetics Tuebingen Variant Classification Criteria Version 2. Collection method: clinical testing. Allele origin: germline. Affected: yes. Observed: 1 variant allele.
Comment: BRCA2: BP4

Ambry Genetics
Classification: Uncertain significance for Hereditary cancer-predisposing syndrome. Last evaluated: 2021-01-20. Review status: criteria provided, single submitter. Criteria: Ambry Variant Classification Scheme 2023. Collection method: clinical testing. Allele origin: germline.
Comment: The p.T1087S variant (also known as c.3259A>T), located in coding exon 10 of the BRCA2 gene, results from an A to T substitution at nucleotide position 3259. The threonine at codon 1087 is replaced by serine, an amino acid with similar properties. This amino acid position is poorly conserved in available vertebrate species. In addition, this alteration is predicted to be tolerated by in silico analysis. In a study of whole-exome sequencing in patients with features of Cowden syndrome (CS) or Bannayan-Riley-Ruvalcaba syndrome (BRRS) and negative PTEN testing, this alteration was identified in 0/87 patients with CS or BRRS and 1/3476 patients from The Cancer Genome Atlas (TCGA) (Yehia L et al. PLoS Genet, 2018 04;14:e1007352). Since supporting evidence is limited at this time, the clinical significance of this alteration remains unclear.

Color Diagnostics, LLC DBA Color Health
Classification: Uncertain significance for Hereditary cancer-predisposing syndrome. Last evaluated: 2021-01-05. Review status: criteria provided, single submitter. Criteria: ACMG Guidelines, 2015. Collection method: clinical testing. Allele origin: germline.
Comment: This missense variant replaces threonine with serine at codon 1087 of the BRCA2 protein. Computational prediction suggests that this variant may not impact protein structure and function (internally defined REVEL score threshold <= 0.5, PMID: 27666373). To our knowledge, functional studies have not been reported for this variant. This variant has not been reported in individuals affected with thyroid cancer (PMID: 29684080). This variant has been identified in 1/235114 chromosomes in the general population by the Genome Aggregation Database (gnomAD). The available evidence is insufficient to determine the role of this variant in disease conclusively. Therefore, this variant is classified as a Variant of Uncertain Significance.

Literature cited by the submitters: PubMed 31911673 (cited by Quest Diagnostics Nichols Institute San Juan Capistrano); PubMed 29684080 (cited by Ambry Genetics).

NM_000059.4(BRCA2):c.3259A>T (p.Thr1087Ser)

Gene: BRCA2 (BRCA2 DNA repair associated; plus strand). Cytogenetic location: 13q13.1.
Variant type: single nucleotide variant.
Coding change: c.3259A>T on transcript NM_000059.4 (MANE Select); coding-DNA position 3259, A replaced by T.
Protein change: p.Thr1087Ser; replaces threonine 1087 with serine.
Molecular consequence: missense variant.
Genome position (GRCh38, 1-based): chr13:32,337,614, A>T. VCF-style: chr13-32337614-A-T. GRCh37 (hg19) VCF-style: chr13-32911751-A-T.
Other names: short protein forms T1087S.
Identifiers: ClinVar variation 1171260 (VCV001171260.36), dbSNP rs775142613, ClinGen allele CA6940685.